The following is an entry in ClinVar:

ClinVar aggregate classification (germline): Likely pathogenic (1 of 4 stars; one submission).

Allele frequency attached by ClinVar (database versions not stated): gnomAD exomes below 0.00001; TOPMed 0.00001.
gnomAD v4.1: 6 of 1,614,078 alleles (0.00037%); highest among the groups gnomAD compares: Non-Finnish European, 0.00051%; no homozygotes.

Submission:

Labcorp Genetics (formerly Invitae), Labcorp
Classification: Likely pathogenic. Last evaluated: 2023-06-25. Review status: criteria provided, single submitter. Criteria: Invitae Variant Classification Sherloc (09022015). Collection method: clinical testing. Allele origin: germline.
Comment: This sequence change affects a donor splice site in intron 19 of the FREM2 gene. It is expected to disrupt RNA splicing. Variants that disrupt the donor or acceptor splice site typically lead to a loss of protein function (PMID: 16199547), and loss-of-function variants in FREM2 are known to be pathogenic (PMID: 18203166, 26552811). This variant is not present in population databases (gnomAD no frequency). In summary, the currently available evidence indicates that the variant is pathogenic, but additional data are needed to prove that conclusively. Therefore, this variant has been classified as Likely Pathogenic. Algorithms developed to predict the effect of sequence changes on RNA splicing suggest that this variant may disrupt the consensus splice site. This variant has not been reported in the literature in individuals affected with FREM2-related conditions.

Literature cited by the submitters: PubMed 16199547; PubMed 18203166; PubMed 26552811.

NM_207361.6(FREM2):c.8409+1G>A

Gene: FREM2 (FRAS1 related extracellular matrix 2; plus strand). Cytogenetic location: 13q13.3.
Variant type: single nucleotide variant.
Coding change: c.8409+1G>A on transcript NM_207361.6 (MANE Select); the canonical splice donor site of the intron after coding-DNA position 8409, G replaced by A.
Molecular consequence: splice donor variant.
Genome position (GRCh38, 1-based): chr13:38,876,150, G>A. VCF-style: chr13-38876150-G-A. GRCh37 (hg19) VCF-style: chr13-39450287-G-A.
Identifiers: ClinVar variation 2875600 (VCV002875600.3), dbSNP rs989161115, ClinGen allele CA248319173.
Genomic context (GRCh38, chr13:38,876,150, plus strand): 5'-AGGAGTGAACCAACCTATAACCAGCCAGTACAGCAGTGGAGCTTTGTCTCTGACTTTGCC[G>A]TAAGTGACTAAGACTCTTAATTAATTTTCTTCTGCTGCTGCCATCTGATTACACCTCAGA-3'